The following is an entry in ClinVar:

NM_002185.5(IL7R):c.32T>G (p.Val11Gly)

Gene: IL7R (interleukin 7 receptor; plus strand). Cytogenetic location: 5p13.2.
Variant type: single nucleotide variant.
Coding change: c.32T>G on transcript NM_002185.5 (MANE Select); coding-DNA position 32, T replaced by G.
Protein change: p.Val11Gly; replaces valine 11 with glycine.
Molecular consequence: missense variant. On other transcripts: non-coding transcript variant (1).
Genome position (GRCh38, 1-based): chr5:35,857,009, T>G. VCF-style: chr5-35857009-T-G. GRCh37 (hg19) VCF-style: chr5-35857111-T-G.
Other names: c.32T>G, p.Val11Gly (NM_001410734.1); short protein forms V11G.
Identifiers: ClinVar variation 2110182 (VCV002110182.1), dbSNP rs539820821, ClinGen allele CA359425803.

ClinVar aggregate classification (germline): Uncertain significance (1 of 4 stars; one submission).

Conditions:
Immunodeficiency 104. Also called: Severe combined immunodeficiency, autosomal recessive, T cell-negative, B cell-positive, NK cell-positive; SCID, AUTOSOMAL RECESSIVE, T CELL-NEGATIVE, B CELL-POSITIVE, NK CELL-POSITIVE; IMMUNODEFICIENCY 104, SEVERE COMBINED; Severe Combined Immune Deficiency, Autosomal Recessive, TCell -Negative, B Cell-Positive, NK Cell-Positive, IL7R-Related. Identifiers: MedGen C5676890, MONDO:0012163, OMIM 608971.

Submission:

Labcorp Genetics (formerly Invitae), Labcorp
Classification: Uncertain significance for Immunodeficiency 104. Last evaluated: 2022-03-12. Review status: criteria provided, single submitter. Criteria: Invitae Variant Classification Sherloc (09022015). Collection method: clinical testing. Allele origin: germline.
Comment: This sequence change replaces valine, which is neutral and non-polar, with glycine, which is neutral and non-polar, at codon 11 of the IL7R protein (p.Val11Gly). This variant is not present in population databases (gnomAD no frequency). This variant has not been reported in the literature in individuals affected with IL7R-related conditions. Advanced modeling of protein sequence and biophysical properties (such as structural, functional, and spatial information, amino acid conservation, physicochemical variation, residue mobility, and thermodynamic stability) performed at Invitae indicates that this missense variant is expected to disrupt IL7R protein function. In summary, the available evidence is currently insufficient to determine the role of this variant in disease. Therefore, it has been classified as a Variant of Uncertain Significance.